The following is an entry in ClinVar:

ClinVar aggregate classification (germline): Uncertain significance (1 of 4 stars; one submission).

gnomAD v4.1: 2 of 1,612,354 alleles (0.00012%); no homozygotes.

Submission:

Labcorp Genetics (formerly Invitae), Labcorp
Classification: Uncertain significance. Last evaluated: 2024-10-16. Review status: criteria provided, single submitter. Criteria: Invitae Variant Classification Sherloc (09022015). Collection method: clinical testing. Allele origin: germline.
Comment: This sequence change replaces alanine, which is neutral and non-polar, with valine, which is neutral and non-polar, at codon 1082 of the AHDC1 protein (p.Ala1082Val). This variant is not present in population databases (gnomAD no frequency). This variant has not been reported in the literature in individuals affected with AHDC1-related conditions. Experimental studies and prediction algorithms are not available or were not evaluated, and the functional significance of this variant is currently unknown. In summary, the available evidence is currently insufficient to determine the role of this variant in disease. Therefore, it has been classified as a Variant of Uncertain Significance.

NM_001371928.1(AHDC1):c.3245C>T (p.Ala1082Val)

Gene: AHDC1 (AT-hook DNA binding motif containing 1; minus strand). Cytogenetic location: 1p36.11.
Variant type: single nucleotide variant.
Coding change: c.3245C>T on transcript NM_001371928.1 (MANE Select); coding-DNA position 3245, C replaced by T.
Protein change: p.Ala1082Val; replaces alanine 1082 with valine.
Molecular consequence: missense variant.
Genome position (GRCh38, 1-based): chr1:27,548,871, G>A on the plus strand (C>T on the coding strand, the complement: AHDC1 is on the minus strand). VCF-style: chr1-27548871-G-A. GRCh37 (hg19) VCF-style: chr1-27875382-G-A.
Other names: c.3245C>T, p.Ala1082Val (NM_001029882.3); short protein forms A1082V.
Identifiers: ClinVar variation 3616079 (VCV003616079.2).
Genomic context (GRCh38, chr1:27,548,871, plus strand): 5'-AACTGCCGACAGTTCTCGGGCGAGGGCTGGAAGGAGGAGGAGGAGGAGGAGGCGGCAGAG[G>A]CTGCAGAGGTGGCAGAGGCTGTGGTGCCCTTGGGTACCATGTAGCCACCGGGCGAGACTG-3'
Protein context (NP_001358857.1, residues 1072-1092): KGTTASATSA[Ala1082Val]SAASSSSSSF